The following is an entry in ClinVar:

ClinVar aggregate classification (germline): Conflicting classifications of pathogenicity. Review status: criteria provided, conflicting classifications (1 of 4 stars). 5 submissions from 5 submitters: Uncertain significance (3); Likely benign (2). Last evaluated 2025-10-27.

Conditions:
Left ventricular noncompaction 7 (LVNC7). Identifiers: Orphanet 54260, MedGen C3554496, MONDO:0014042, OMIM 615092.
Inborn genetic diseases. Identifiers: MedGen C0950123, MeSH D030342.

Allele frequency attached by ClinVar (database versions not stated): gnomAD 0.00094 and 0.00099; 1000 Genomes Project 0.00160; ESP Exome Variant Server 0.00077; TOPMed 0.00106; 1000 Genomes Project 30x 0.00156.
gnomAD v4.1: 280 of 1,613,412 alleles (0.017%); highest among the groups gnomAD compares: African/African-American, 0.33%; no homozygotes.

Submissions (5):

Ambry Genetics
Classification: Uncertain significance for Inborn genetic diseases. Last evaluated: 2025-10-27. Review status: criteria provided, single submitter. Criteria: Ambry Variant Classification Scheme 2023. Collection method: clinical testing. Allele origin: germline.
Comment: The p.I1003V variant (also known as c.3007A>G), located in coding exon 21 of the MIB1 gene, results from an A to G substitution at nucleotide position 3007. The isoleucine at codon 1003 is replaced by valine, an amino acid with highly similar properties. This amino acid position is conserved. In addition, the in silico prediction for this alteration is inconclusive. Since supporting evidence is limited at this time, the clinical significance of this alteration remains unclear.

GeneDx
Classification: Likely benign. Last evaluated: 2021-01-26. Review status: criteria provided, single submitter. Criteria: GeneDx Variant Classification Process June 2021. Collection method: clinical testing. Allele origin: germline. Affected: yes.
Comment: Has not been previously published as pathogenic or benign to our knowledge

Revvity Omics, Revvity
Classification: Uncertain significance for Left ventricular noncompaction 7. Last evaluated: 2019-07-10. Review status: criteria provided, single submitter. Criteria: ACMG Guidelines, 2015. Collection method: clinical testing. Allele origin: germline.

Labcorp Genetics (formerly Invitae), Labcorp
Classification: Likely benign. Last evaluated: 2018-11-09. Review status: criteria provided, single submitter. Criteria: Invitae Variant Classification Sherloc (09022015). Collection method: clinical testing. Allele origin: germline.

Fulgent Genetics
Classification: Uncertain significance for Left ventricular noncompaction 7. Last evaluated: 2018-10-31. Review status: criteria provided, single submitter. Criteria: ACMG Guidelines, 2015. Collection method: clinical testing. Allele origin: unknown.

NM_020774.4(MIB1):c.3007A>G (p.Ile1003Val)

Gene: MIB1 (MIB E3 ubiquitin protein ligase 1; plus strand). Cytogenetic location: 18q11.2.
Variant type: single nucleotide variant.
Coding change: c.3007A>G on transcript NM_020774.4 (MANE Select); coding-DNA position 3007, A replaced by G.
Protein change: p.Ile1003Val; replaces isoleucine 1003 with valine.
Molecular consequence: missense variant.
Genome position (GRCh38, 1-based): chr18:21,864,652, A>G. VCF-style: chr18-21864652-A-G. GRCh37 (hg19) VCF-style: chr18-19444613-A-G.
Other names: short protein forms I1003V.
Identifiers: ClinVar variation 450378 (VCV000450378.13), dbSNP rs150652745, ClinGen allele CA8908763.